The following is an entry in ClinVar:

ClinVar aggregate classification (germline): Pathogenic (1 of 4 stars; one submission).

Submission:

CeGaT Center for Human Genetics Tuebingen
Classification: Pathogenic. Last evaluated: 2025-10-01. Review status: criteria provided, single submitter. Criteria: CeGaT Center For Human Genetics Tuebingen Variant Classification Criteria Version 2. Collection method: clinical testing. Allele origin: germline. Affected: yes. Observed: 4 variant alleles.
Comment: NPRL3: PVS1, PM2, PS4:Supporting

NM_001077350.3(NPRL3):c.189-2A>T

Genes: HBA-LCR (alpha-globin locus control region; plus strand), NPRL3 (NPR3 like, GATOR1 complex subunit; minus strand). Cytogenetic location: 16p13.3.
Variant type: single nucleotide variant.
Coding change: c.189-2A>T on transcript NM_001077350.3 (MANE Select); the canonical splice acceptor site of the intron before coding-DNA position 189, A replaced by T.
Molecular consequence: splice acceptor variant. On other transcripts: intron variant (1).
Genome position (GRCh38, 1-based): chr16:119,257, T>A on the plus strand (A>T on the coding strand, the complement: NPRL3 is on the minus strand). VCF-style: chr16-119257-T-A. GRCh37 (hg19) VCF-style: chr16-169256-T-A.
Other names: c.-46-2A>T (NM_001243247.2); c.189-2A>T (NM_001243248.2, NM_001243249.2); c.-144-6482A>T (NM_001039476.3).
Identifiers: ClinVar variation 623879 (VCV000623879.43), dbSNP rs1567142752, ClinGen allele CA393995721.